The following is an entry in ClinVar:

NM_033026.6(PCLO):c.6086T>C (p.Ile2029Thr)

Gene: PCLO (piccolo presynaptic cytomatrix protein; minus strand). Cytogenetic location: 7q21.11.
Variant type: single nucleotide variant.
Coding change: c.6086T>C on transcript NM_033026.6 (MANE Select); coding-DNA position 6086, T replaced by C.
Protein change: p.Ile2029Thr; replaces isoleucine 2029 with threonine.
Molecular consequence: missense variant.
Genome position (GRCh38, 1-based): chr7:82,954,867, A>G on the plus strand (T>C on the coding strand, the complement: PCLO is on the minus strand). VCF-style: chr7-82954867-A-G. GRCh37 (hg19) VCF-style: chr7-82584183-A-G.
Other names: c.6086T>C, p.Ile2029Thr (NM_014510.3); short protein forms I2029T.
Identifiers: ClinVar variation 3903266 (VCV003903266.1).

ClinVar aggregate classification (germline): Uncertain significance (1 of 4 stars; one submission).

gnomAD v4.1: 7 of 1,613,968 alleles (0.00043%); highest among the groups gnomAD compares: Admixed American, 0.0033%; no homozygotes.

Submission:

GeneDx
Classification: Uncertain significance. Last evaluated: 2024-04-16. Review status: criteria provided, single submitter. Criteria: GeneDx Variant Classification Process June 2021. Collection method: clinical testing. Allele origin: germline. Affected: yes.
Comment: In silico analysis indicates that this missense variant does not alter protein structure/function; Has not been previously published as pathogenic or benign to our knowledge; Variants in candidate genes are classified as variants of uncertain significance in accordance with ACMG guidelines (PMID: 25741868)